The following is an entry in ClinVar:

NM_020203.6(MEPE):c.384T>C (p.Asp128=)

Genes: MEPE (matrix extracellular phosphoglycoprotein; plus strand), MEPE-AS1 (MEPE and IBSP antisense RNA 1; minus strand). Cytogenetic location: 4q22.1.
Variant type: single nucleotide variant.
Coding change: c.384T>C on transcript NM_020203.6 (MANE Select); coding-DNA position 384, T replaced by C.
Protein change: p.Asp128=; no amino-acid change (aspartic acid 128 retained).
Molecular consequence: synonymous variant.
Genome position (GRCh38, 1-based): chr4:87,845,252, T>C. VCF-style: chr4-87845252-T-C. GRCh37 (hg19) VCF-style: chr4-88766404-T-C.
Other names: c.384T>C, p.Asp128= (NM_001184694.3); c.45T>C, p.Asp15= (NM_001184695.4, NM_001184696.2, NM_001184697.2); c.477T>C, p.Asp159= (NM_001291183.2).
Identifiers: ClinVar variation 3043486 (VCV003043486.2), dbSNP rs139311420, ClinGen allele CA3002645.

ClinVar aggregate classification (germline): Likely benign (0 of 4 stars; one submission).

Conditions:
MEPE-related disorder. Also called: MEPE-related condition.

Allele frequency attached by ClinVar (database versions not stated): gnomAD 0.00092; ExAC 0.00123; 1000 Genomes Project 0.00359; 1000 Genomes Project 30x 0.00375; gnomAD exomes 0.00042; TOPMed 0.00082; ESP Exome Variant Server 0.00092.

Submission:

PreventionGenetics, part of Exact Sciences
Classification: Likely benign for MEPE-related condition. Last evaluated: 2020-01-07. Review status: no assertion criteria provided. Collection method: clinical testing. Allele origin: germline.
Comment: This variant is classified as likely benign based on ACMG/AMP sequence variant interpretation guidelines (Richards et al. 2015 PMID: 25741868, with internal and published modifications).